The following is an entry in ClinVar:

ClinVar aggregate classification (germline): Uncertain significance. Review status: criteria provided, multiple submitters, no conflicts (2 of 4 stars). 2 submissions from 2 submitters: Uncertain significance (2). Last evaluated 2024-09-26.

Allele frequency attached by ClinVar (database versions not stated): ExAC 0.00001; TOPMed 0.00002; gnomAD 0.00003; gnomAD exomes 0.00003.
gnomAD v4.1: 57 of 1,613,838 alleles (0.0035%); highest among the groups gnomAD compares: Non-Finnish European, 0.0043%; no homozygotes.

Submissions (2):

Ambry Genetics
Classification: Uncertain significance. Last evaluated: 2024-09-26. Review status: criteria provided, single submitter. Criteria: Ambry Variant Classification Scheme 2023. Collection method: clinical testing. Allele origin: germline.

Labcorp Genetics (formerly Invitae), Labcorp
Classification: Uncertain significance. Last evaluated: 2022-11-08. Review status: criteria provided, single submitter. Criteria: Invitae Variant Classification Sherloc (09022015). Collection method: clinical testing. Allele origin: germline.
Comment: Algorithms developed to predict the effect of missense changes on protein structure and function are either unavailable or do not agree on the potential impact of this missense change (SIFT: "Deleterious"; PolyPhen-2: "Probably Damaging"; Align-GVGD: "Class C0"). In summary, the available evidence is currently insufficient to determine the role of this variant in disease. Therefore, it has been classified as a Variant of Uncertain Significance. This variant has not been reported in the literature in individuals affected with HMCN1-related conditions. This variant is present in population databases (rs756152275, gnomAD 0.003%). This sequence change replaces arginine, which is basic and polar, with glycine, which is neutral and non-polar, at codon 1073 of the HMCN1 protein (p.Arg1073Gly).

NM_031935.3(HMCN1):c.3217A>G (p.Arg1073Gly)

Gene: HMCN1 (hemicentin 1; plus strand). Cytogenetic location: 1q31.1.
Variant type: single nucleotide variant.
Coding change: c.3217A>G on transcript NM_031935.3 (MANE Select); coding-DNA position 3217, A replaced by G.
Protein change: p.Arg1073Gly; replaces arginine 1073 with glycine.
Molecular consequence: missense variant.
Genome position (GRCh38, 1-based): chr1:185,990,283, A>G. VCF-style: chr1-185990283-A-G. GRCh37 (hg19) VCF-style: chr1-185959415-A-G.
Other names: c.3217A>G (NM_031935.2); short protein forms R1073G.
Identifiers: ClinVar variation 3016720 (VCV003016720.4), dbSNP rs756152275, ClinGen allele CA1291656.
Genomic context (GRCh38, chr1:185,990,283, plus strand): 5'-GTGCTTTGTTTTCAATATACTGTTTCCCTTCCAAAACATGTGTTTATTTTAGTAAGGCCC[A>G]GAGTGTTTGGAGATCAACGAGGACTGTCCCAGGATAAGCCTGTTGAGATCTCCGTCCTTG-3'
Protein context (NP_114141.2, residues 1063-1083): KVQLTVYVRP[Arg1073Gly]VFGDQRGLSQ